The following is an entry in ClinVar:

ClinVar aggregate classification (germline): Uncertain significance (1 of 4 stars; one submission).

Conditions:
Peroxisome biogenesis disorder, complementation group K (CGK). Identifiers: MedGen C1866257, MONDO:0800365.

Submission:

Labcorp Genetics (formerly Invitae), Labcorp
Classification: Uncertain significance for Peroxisome biogenesis disorder, complementation group K. Last evaluated: 2022-04-13. Review status: criteria provided, single submitter. Criteria: Invitae Variant Classification Sherloc (09022015). Collection method: clinical testing. Allele origin: germline.
Comment: This variant has not been reported in the literature in individuals affected with PEX14-related conditions. This variant is not present in population databases (gnomAD no frequency). This sequence change replaces serine, which is neutral and polar, with arginine, which is basic and polar, at codon 374 of the PEX14 protein (p.Ser374Arg). Algorithms developed to predict the effect of missense changes on protein structure and function (SIFT, PolyPhen-2, Align-GVGD) all suggest that this variant is likely to be tolerated. In summary, the available evidence is currently insufficient to determine the role of this variant in disease. Therefore, it has been classified as a Variant of Uncertain Significance.

NM_004565.3(PEX14):c.1120A>C (p.Ser374Arg)

Gene: PEX14 (peroxisomal biogenesis factor 14; plus strand). Cytogenetic location: 1p36.22.
Variant type: single nucleotide variant.
Coding change: c.1120A>C on transcript NM_004565.3 (MANE Select); coding-DNA position 1120, A replaced by C.
Protein change: p.Ser374Arg; replaces serine 374 with arginine.
Molecular consequence: missense variant.
Genome position (GRCh38, 1-based): chr1:10,629,973, A>C. VCF-style: chr1-10629973-A-C. GRCh37 (hg19) VCF-style: chr1-10690030-A-C.
Other names: short protein forms S374R.
Identifiers: ClinVar variation 1492444 (VCV001492444.8), dbSNP rs2124651161, ClinGen allele CA338340169.